The following is an entry in ClinVar:

NM_000465.4(BARD1):c.1727G>A (p.Gly576Glu)

Gene: BARD1 (BRCA1 associated RING domain 1; minus strand). Cytogenetic location: 2q35.
Variant type: single nucleotide variant.
Coding change: c.1727G>A on transcript NM_000465.4 (MANE Select); coding-DNA position 1727, G replaced by A.
Protein change: p.Gly576Glu; replaces glycine 576 with glutamic acid.
Molecular consequence: missense variant. On other transcripts: non-coding transcript variant (3), intron variant (1).
Genome position (GRCh38, 1-based): chr2:214,745,805, C>T on the plus strand (G>A on the coding strand, the complement: BARD1 is on the minus strand). VCF-style: chr2-214745805-C-T. GRCh37 (hg19) VCF-style: chr2-215610529-C-T.
Other names: c.1670G>A, p.Gly557Glu (NM_001282543.2); c.365-15297G>A (NM_001282549.2); c.374G>A, p.Gly125Glu (NM_001282545.2); c.317G>A, p.Gly106Glu (NM_001282548.2); short protein forms G576E, G125E, G106E, G557E.
Identifiers: ClinVar variation 482819 (VCV000482819.13), dbSNP rs768793837, ClinGen allele CA350453119.

ClinVar aggregate classification (germline): Uncertain significance. Review status: criteria provided, multiple submitters, no conflicts (2 of 4 stars). 2 submissions from 2 submitters: Uncertain significance (2). Last evaluated 2024-04-30.

Conditions:
Hereditary cancer-predisposing syndrome. Also called: Neoplastic Syndromes, Hereditary; Tumor predisposition; Hereditary Cancer Syndrome; Hereditary neoplastic syndrome. Identifiers: Orphanet 140162, MedGen C0027672, MeSH D009386, MONDO:0015356.
Familial cancer of breast. Also called: BREAST CANCER, FAMILIAL; Hereditary breast cancer; hereditary breast carcinoma. Identifiers: Orphanet 227535, MedGen C0346153, MONDO:0016419, OMIM 114480. Disease mechanism: loss of function.

Submissions (2):

Labcorp Genetics (formerly Invitae), Labcorp
Classification: Uncertain significance for Familial cancer of breast. Last evaluated: 2024-04-30. Review status: criteria provided, single submitter. Criteria: Invitae Variant Classification Sherloc (09022015). Collection method: clinical testing. Allele origin: germline.
Comment: This sequence change replaces glycine, which is neutral and non-polar, with glutamic acid, which is acidic and polar, at codon 576 of the BARD1 protein (p.Gly576Glu). This variant is not present in population databases (gnomAD no frequency). This variant has not been reported in the literature in individuals affected with BARD1-related conditions. ClinVar contains an entry for this variant (Variation ID: 482819). An algorithm developed to predict the effect of missense changes on protein structure and function (PolyPhen-2) suggests that this variant is likely to be disruptive. In summary, the available evidence is currently insufficient to determine the role of this variant in disease. Therefore, it has been classified as a Variant of Uncertain Significance.

Ambry Genetics
Classification: Uncertain significance for Hereditary cancer-predisposing syndrome. Last evaluated: 2024-01-20. Review status: criteria provided, single submitter. Criteria: Ambry Variant Classification Scheme 2023. Collection method: clinical testing. Allele origin: germline.
Comment: The p.G576E variant (also known as c.1727G>A), located in coding exon 8 of the BARD1 gene, results from a G to A substitution at nucleotide position 1727. The glycine at codon 576 is replaced by glutamic acid, an amino acid with similar properties. This amino acid position is highly conserved in available vertebrate species. In addition, the in silico prediction for this alteration is inconclusive. Since supporting evidence is limited at this time, the clinical significance of this alteration remains unclear.